The following is an entry in ClinVar:

ClinVar aggregate classification (germline): Benign/Likely benign. Review status: criteria provided, multiple submitters, no conflicts (2 of 4 stars). 11 submissions from 11 submitters: Benign (2); Likely benign (8). 1 of the submissions does not count toward it. Last evaluated 2026-07-09.

Conditions:
SMARCA4-related disorder. Also called: SMARCA4-related condition.
Hereditary cancer-predisposing syndrome. Also called: Hereditary Cancer Syndrome; Hereditary neoplastic syndrome; Neoplastic Syndromes, Hereditary; Tumor predisposition. Identifiers: Orphanet 140162, MedGen C0027672, MeSH D009386, MONDO:0015356.
Rhabdoid tumor predisposition syndrome 2 (RTPS2). Identifiers: Orphanet 231108, Orphanet 69077, MedGen C2750074, MONDO:0013224, OMIM 613325.

Allele frequency attached by ClinVar (database versions not stated): 1000 Genomes Project 30x 0.00031; gnomAD 0.00005 and 0.00006; 1000 Genomes Project 0.00040; ExAC below 0.00001; gnomAD exomes 0.00008 and 0.00007; TOPMed 0.00008.
gnomAD v4.1: 107 of 1,537,910 alleles (0.007%); highest among the groups gnomAD compares: Middle Eastern, 0.033%; no homozygotes.

Submissions (11):

Myriad Genetics, Inc.
Classification: Benign for Rhabdoid tumor predisposition syndrome 2. Last evaluated: 2026-07-09. Review status: criteria provided, single submitter. Criteria: Myriad Autosomal Dominant, Autosomal Recessive and X-Linked Classification Criteria (2023). Collection method: clinical testing. Allele origin: unknown.
Comment: This variant is considered benign. This variant is a silent/synonymous amino acid change and it is not expected to impact splicing.

Labcorp Genetics (formerly Invitae), Labcorp
Classification: Likely benign for Rhabdoid tumor predisposition syndrome 2. Last evaluated: 2026-01-25. Review status: criteria provided, single submitter. Criteria: Invitae Variant Classification Sherloc (09022015). Collection method: clinical testing. Allele origin: germline.

Quest Diagnostics Nichols Institute San Juan Capistrano
Classification: Benign. Last evaluated: 2024-12-08. Review status: criteria provided, single submitter. Criteria: Quest Diagnostics criteria. Collection method: clinical testing. Allele origin: unknown.

Blueprint Genetics
Classification: Likely benign. Last evaluated: 2024-07-11. Review status: criteria provided, single submitter. Criteria: ACMG Guidelines, 2015. Collection method: clinical testing. Allele origin: germline.

CeGaT Center for Human Genetics Tuebingen
Classification: Likely benign. Last evaluated: 2023-02-01. Review status: criteria provided, single submitter. Criteria: CeGaT Center For Human Genetics Tuebingen Variant Classification Criteria Version 2. Collection method: clinical testing. Allele origin: germline. Affected: yes. Observed: 1 variant allele.
Comment: SMARCA4: BP4, BP7

ARUP Laboratories, Molecular Genetics and Genomics, ARUP Laboratories
Classification: Likely benign. Last evaluated: 2021-07-10. Review status: criteria provided, single submitter. Criteria: ARUP Molecular Germline Variant Investigation Process 2021. Collection method: clinical testing. Allele origin: germline.

Sema4
Classification: Likely benign for Hereditary cancer-predisposing syndrome. Last evaluated: 2020-09-02. Review status: criteria provided, single submitter. Criteria: Sema4 Curation Guidelines. Collection method: curation. Allele origin: germline.

GeneDx
Classification: Likely benign. Last evaluated: 2017-11-09. Review status: criteria provided, single submitter. Criteria: GeneDx Variant Classification (06012015). Collection method: clinical testing. Allele origin: germline. Affected: yes.
Comment: This variant is considered likely benign or benign based on one or more of the following criteria: it is a conservative change, it occurs at a poorly conserved position in the protein, it is predicted to be benign by multiple in silico algorithms, and/or has population frequency not consistent with disease.

Ambry Genetics
Classification: Likely benign for Hereditary cancer-predisposing syndrome. Last evaluated: 2015-09-30. Review status: criteria provided, single submitter. Criteria: Ambry Variant Classification Scheme 2023. Collection method: clinical testing. Allele origin: germline.

Breakthrough Genomics
Classification: Likely benign. Review status: criteria provided, single submitter. Criteria: ACMG Guidelines, 2015. Collection method: not provided. Allele origin: germline. Inheritance: Autosomal dominant inheritance. Affected: yes.

PreventionGenetics, part of Exact Sciences
Classification: Likely benign for SMARCA4-related condition. Last evaluated: 2023-02-18. Review status: no assertion criteria provided. Collection method: clinical testing. Allele origin: germline. Not counted in ClinVar's aggregate classification.
Comment: This variant is classified as likely benign based on ACMG/AMP sequence variant interpretation guidelines (Richards et al. 2015 PMID: 25741868, with internal and published modifications).

NM_003072.5(SMARCA4):c.726C>T (p.Pro242=)

Gene: SMARCA4 (SWI/SNF related BAF chromatin remodeling complex subunit ATPase 4; plus strand). Cytogenetic location: 19p13.2.
Variant type: single nucleotide variant.
Coding change: c.726C>T on transcript NM_003072.5 (MANE Select); coding-DNA position 726, C replaced by T.
Protein change: p.Pro242=; no amino-acid change (proline 242 retained).
Molecular consequence: synonymous variant. On other transcripts: non-coding transcript variant (1).
Genome position (GRCh38, 1-based): chr19:10,986,559, C>T. VCF-style: chr19-10986559-C-T. GRCh37 (hg19) VCF-style: chr19-11097235-C-T.
Other names: c.726C>T, p.Pro242= (NM_001128844.3, NM_001128845.2, NM_001128846.2 and 5 more transcripts).
Identifiers: ClinVar variation 415125 (VCV000415125.86), dbSNP rs578260605, ClinGen allele CA9203549.